The following is an entry in ClinVar:

ClinVar aggregate classification (germline): Uncertain significance. Review status: criteria provided, multiple submitters, no conflicts (2 of 4 stars). 2 submissions from 2 submitters: Uncertain significance (2). Last evaluated 2022-08-06.

Conditions:
Autosomal recessive limb-girdle muscular dystrophy type 2P. Also called: MUSCULAR DYSTROPHY-DYSTROGLYCANOPATHY, LIMB-GIRDLE, DAG1-RELATED; Limb-Girdle Muscular Dystrophy Type 9C; MUSCULAR DYSTROPHY, LIMB-GIRDLE, TYPE 2P. Identifiers: Orphanet 280333, MedGen C4511963, MONDO:0013440, OMIM 613818.
Muscular dystrophy-dystroglycanopathy (congenital with brain and eye anomalies), type A9. Also called: Muscular dystrophy-dystroglycanopathy (congenital with brain and eye anomalies), type a, 9; WALKER-WARBURG SYNDROME OR MUSCLE-EYE BRAIN DISEASE, DAG1-RELATED. Identifiers: Orphanet 370997, Orphanet 899, MedGen C4225291, MONDO:0014683, OMIM 616538.

Allele frequency attached by ClinVar (database versions not stated): TOPMed below 0.00001; ExAC 0.00002; gnomAD exomes 0.00002 and 0.00004.
gnomAD v4.1: 13 of 1,614,232 alleles (0.00081%); highest among the groups gnomAD compares: Admixed American, 0.018%; no homozygotes.

Submissions (2):

Labcorp Genetics (formerly Invitae), Labcorp
Classification: Uncertain significance for Autosomal recessive limb-girdle muscular dystrophy type 2P; Muscular dystrophy-dystroglycanopathy (congenital with brain and eye anomalies), type A9. Last evaluated: 2022-08-06. Review status: criteria provided, single submitter. Criteria: Invitae Variant Classification Sherloc (09022015). Collection method: clinical testing. Allele origin: germline.
Comment: This sequence change replaces serine, which is neutral and polar, with phenylalanine, which is neutral and non-polar, at codon 180 of the DAG1 protein (p.Ser180Phe). This variant is present in population databases (rs756584618, gnomAD 0.02%). This variant has not been reported in the literature in individuals affected with DAG1-related conditions. ClinVar contains an entry for this variant (Variation ID: 497556). Algorithms developed to predict the effect of missense changes on protein structure and function output the following: SIFT: "Tolerated"; PolyPhen-2: "Benign"; Align-GVGD: "Class C0". The phenylalanine amino acid residue is found in multiple mammalian species, which suggests that this missense change does not adversely affect protein function. In summary, the available evidence is currently insufficient to determine the role of this variant in disease. Therefore, it has been classified as a Variant of Uncertain Significance.

Eurofins Ntd Llc (ga)
Classification: Uncertain significance. Last evaluated: 2016-10-07. Review status: criteria provided, single submitter. Criteria: EGL Classification Definitions 2015. Collection method: clinical testing. Allele origin: germline. Observed: 1 variant allele, 1 heterozygote.

NM_004393.6(DAG1):c.539C>T (p.Ser180Phe)

Gene: DAG1 (dystroglycan 1; plus strand). Cytogenetic location: 3p21.31.
Variant type: single nucleotide variant.
Coding change: c.539C>T on transcript NM_004393.6 (MANE Select); coding-DNA position 539, C replaced by T.
Protein change: p.Ser180Phe; replaces serine 180 with phenylalanine.
Molecular consequence: missense variant.
Genome position (GRCh38, 1-based): chr3:49,531,050, C>T. VCF-style: chr3-49531050-C-T. GRCh37 (hg19) VCF-style: chr3-49568483-C-T.
Other names: c.539C>T, p.Ser180Phe (NM_001165928.4, NM_001177634.3, NM_001177635.3 and 9 more transcripts); short protein forms S180F.
Identifiers: ClinVar variation 497556 (VCV000497556.9), dbSNP rs756584618, ClinGen allele CA2398926.